The following is an entry in ClinVar:

ClinVar aggregate classification (germline): Uncertain significance (1 of 4 stars; one submission).

Conditions:
Neurofibromatosis, type 1 (NF1). Also called: VON RECKLINGHAUSEN DISEASE; Neurofibromatosis, type I; NEUROFIBROMATOSIS, TYPE I, SOMATIC; Peripheral type neurofibromatosis. Identifiers: Orphanet 636, MedGen C0027831, MONDO:0018975, OMIM 162200. Disease mechanism: loss of function.

Submission:

Labcorp Genetics (formerly Invitae), Labcorp
Classification: Uncertain significance for Neurofibromatosis, type 1. Last evaluated: 2023-10-22. Review status: criteria provided, single submitter. Criteria: Invitae Variant Classification Sherloc (09022015). Collection method: clinical testing. Allele origin: germline.
Comment: This sequence change falls in intron 42 of the NF1 gene. It does not directly change the encoded amino acid sequence of the NF1 protein. It affects a nucleotide within the consensus splice site. This variant is not present in population databases (gnomAD no frequency). This variant has not been reported in the literature in individuals affected with NF1-related conditions. Variants that disrupt the consensus splice site are a relatively common cause of aberrant splicing (PMID: 17576681, 9536098). Algorithms developed to predict the effect of sequence changes on RNA splicing suggest that this variant may disrupt the consensus splice site. In summary, the available evidence is currently insufficient to determine the role of this variant in disease. Therefore, it has been classified as a Variant of Uncertain Significance.

Literature cited by the submitters: PubMed 17576681; PubMed 9536098.

NM_001042492.3(NF1):c.6642+3A>T

Gene: NF1 (neurofibromin 1; plus strand). Cytogenetic location: 17q11.2.
Variant type: single nucleotide variant.
Coding change: c.6642+3A>T on transcript NM_001042492.3 (MANE Select); 3 bases into the intron after coding-DNA position 6642, A replaced by T.
Molecular consequence: intron variant.
Genome position (GRCh38, 1-based): chr17:31,337,585, A>T. VCF-style: chr17-31337585-A-T. GRCh37 (hg19) VCF-style: chr17-29664603-A-T.
Other names: c.6579+3A>T (NM_000267.4).
Identifiers: ClinVar variation 2770922 (VCV002770922.3), dbSNP rs1555534891, ClinGen allele CA2697559588.